The following is an entry in ClinVar:

ClinVar aggregate classification (germline): Likely benign (0 of 4 stars; one submission).

Conditions:
ZMYM2-related disorder. Also called: ZMYM2-related condition.

Allele frequency attached by ClinVar (database versions not stated): gnomAD exomes below 0.00001.
gnomAD v4.1: 2 of 1,602,388 alleles (0.00012%); highest among the groups gnomAD compares: South Asian, 0.0011%; no homozygotes.

Submission:

PreventionGenetics, part of Exact Sciences
Classification: Likely benign for ZMYM2-related condition. Last evaluated: 2019-09-05. Review status: no assertion criteria provided. Collection method: clinical testing. Allele origin: germline.
Comment: This variant is classified as likely benign based on ACMG/AMP sequence variant interpretation guidelines (Richards et al. 2015 PMID: 25741868, with internal and published modifications).

NM_197968.4(ZMYM2):c.1212T>G (p.Ser404=)

Gene: ZMYM2 (zinc finger MYM-type containing 2; plus strand). Cytogenetic location: 13q12.11.
Variant type: single nucleotide variant.
Coding change: c.1212T>G on transcript NM_197968.4 (MANE Select); coding-DNA position 1212, T replaced by G.
Protein change: p.Ser404=; no amino-acid change (serine 404 retained).
Molecular consequence: synonymous variant. On other transcripts: non-coding transcript variant (1).
Genome position (GRCh38, 1-based): chr13:20,005,152, T>G. VCF-style: chr13-20005152-T-G. GRCh37 (hg19) VCF-style: chr13-20579292-T-G.
Other names: c.1212T>G, p.Ser404= (NM_001190964.4, NM_001190965.4, NM_001353157.2 and 5 more transcripts); c.1017T>G, p.Ser339= (NM_001353161.3); c.951T>G, p.Ser317= (NM_001353163.2).
Identifiers: ClinVar variation 3053833 (VCV003053833.2), dbSNP rs2502315103, ClinGen allele CA483055732.